The following is an entry in ClinVar:

ClinVar aggregate classification (germline): Likely benign (1 of 4 stars; one submission).

gnomAD v4.1: 1 of 1,612,484 alleles (0.000062%); highest among the groups gnomAD compares: Non-Finnish European, 0.000085%; no homozygotes.

Submission:

GeneDx
Classification: Likely benign. Last evaluated: 2017-05-01. Review status: criteria provided, single submitter. Criteria: GeneDx Variant Classification (06012015). Collection method: clinical testing. Allele origin: germline. Affected: yes.
Comment: This variant is considered likely benign or benign based on one or more of the following criteria: it is a conservative change, it occurs at a poorly conserved position in the protein, it is predicted to be benign by multiple in silico algorithms, and/or has population frequency not consistent with disease.

NM_032382.5(COG8):c.378-12G>A

Gene: COG8 (component of oligomeric golgi complex 8; minus strand). Cytogenetic location: 16q22.1.
Variant type: single nucleotide variant.
Coding change: c.378-12G>A on transcript NM_032382.5 (MANE Select); 12 bases into the intron before coding-DNA position 378, G replaced by A.
Molecular consequence: intron variant.
Genome position (GRCh38, 1-based): chr16:69,336,724, C>T on the plus strand (G>A on the coding strand, the complement: COG8 is on the minus strand). VCF-style: chr16-69336724-C-T. GRCh37 (hg19) VCF-style: chr16-69370627-C-T.
Other names: c.378-12G>A (NM_001379266.1, NM_001379265.1, NM_001379262.1 and 4 more transcripts).
Identifiers: ClinVar variation 509061 (VCV000509061.1), dbSNP rs1555503881, ClinGen allele CA658798628.